The following is an entry in ClinVar:

ClinVar aggregate classification (germline): Uncertain significance. Review status: criteria provided, multiple submitters, no conflicts (2 of 4 stars). 3 submissions from 3 submitters: Uncertain significance (3). Last evaluated 2023-04-09.

Submissions (3):

Labcorp Genetics (formerly Invitae), Labcorp
Classification: Uncertain significance. Last evaluated: 2023-04-09. Review status: criteria provided, single submitter. Criteria: Invitae Variant Classification Sherloc (09022015). Collection method: clinical testing. Allele origin: germline.
Comment: In summary, the available evidence is currently insufficient to determine the role of this variant in disease. Therefore, it has been classified as a Variant of Uncertain Significance. Advanced modeling of protein sequence and biophysical properties (such as structural, functional, and spatial information, amino acid conservation, physicochemical variation, residue mobility, and thermodynamic stability) has been performed at Invitae for this missense variant, however the output from this modeling did not meet the statistical confidence thresholds required to predict the impact of this variant on USH2A protein function. ClinVar contains an entry for this variant (Variation ID: 2442499). This variant has not been reported in the literature in individuals affected with USH2A-related conditions. This variant is not present in population databases (gnomAD no frequency). This sequence change replaces leucine, which is neutral and non-polar, with arginine, which is basic and polar, at codon 177 of the USH2A protein (p.Leu177Arg).

GeneDx
Classification: Uncertain significance. Last evaluated: 2022-09-06. Review status: criteria provided, single submitter. Criteria: GeneDx Variant Classification Process June 2021. Collection method: clinical testing. Allele origin: germline. Affected: yes.
Comment: Not observed at significant frequency in large population cohorts (gnomAD); In silico analysis supports that this missense variant has a deleterious effect on protein structure/function; Has not been previously published as pathogenic or benign to our knowledge

Blueprint Genetics
Classification: Uncertain significance. Last evaluated: 2021-11-24. Review status: criteria provided, single submitter. Criteria: ACMG Guidelines, 2015. Collection method: clinical testing. Allele origin: germline.

NM_206933.4(USH2A):c.530T>G (p.Leu177Arg)

Gene: USH2A (usherin; minus strand). Cytogenetic location: 1q41.
Variant type: single nucleotide variant.
Coding change: c.530T>G on transcript NM_206933.4 (MANE Select); coding-DNA position 530, T replaced by G.
Protein change: p.Leu177Arg; replaces leucine 177 with arginine.
Molecular consequence: missense variant.
Genome position (GRCh38, 1-based): chr1:216,418,635, A>C on the plus strand (T>G on the coding strand, the complement: USH2A is on the minus strand). VCF-style: chr1-216418635-A-C. GRCh37 (hg19) VCF-style: chr1-216591977-A-C.
Other names: c.530T>G, p.Leu177Arg (NM_007123.6); short protein forms L177R.
Identifiers: ClinVar variation 2442499 (VCV002442499.5), dbSNP rs2527646398, ClinGen allele CA344902660.